The following is an entry in ClinVar:

NM_015898.4(ZBTB7A):c.826G>A (p.Gly276Arg)

Gene: ZBTB7A (zinc finger and BTB domain containing 7A; minus strand). Cytogenetic location: 19p13.3.
Variant type: single nucleotide variant.
Coding change: c.826G>A on transcript NM_015898.4 (MANE Select); coding-DNA position 826, G replaced by A.
Protein change: p.Gly276Arg; replaces glycine 276 with arginine.
Molecular consequence: missense variant.
Genome position (GRCh38, 1-based): chr19:4,054,407, C>T on the plus strand (G>A on the coding strand, the complement: ZBTB7A is on the minus strand). VCF-style: chr19-4054407-C-T. GRCh37 (hg19) VCF-style: chr19-4054405-C-T.
Other names: c.826G>A, p.Gly276Arg (NM_001317990.2); short protein forms G276R.
Identifiers: ClinVar variation 3376455 (VCV003376455.1).
Genomic context (GRCh38, chr19:4,054,407, plus strand): 5'-AGCCCGGAGAGTCGCCCGGCTCGGGGGCCGCCTCCGACAGCGAGGCGGCCTCCTCCTCTC[C>T]GCCGCGGCCGTAGTGGCCGTTCTGCGTGGCGGCCGGCGGGGCCACCGGCGGCGGAAAGAG-3'
Protein context (NP_056982.1, residues 266-286): ATQNGHYGRG[Gly276Arg]EEEAASLSEA

ClinVar aggregate classification (germline): Uncertain significance (1 of 4 stars; one submission).

Conditions:
Macrocephaly, neurodevelopmental delay, lymphoid hyperplasia, and persistent fetal hemoglobin (MNDLFH). Identifiers: Orphanet 694956, MedGen C5676928, MONDO:0859231, OMIM 619769.

Submission:

Pittsburgh Clinical Genomics Laboratory, University of Pittsburgh Medical Center
Classification: Uncertain significance for Macrocephaly, neurodevelopmental delay, lymphoid hyperplasia, and persistent fetal hemoglobin. Last evaluated: 2024-07-01. Review status: criteria provided, single submitter. Criteria: ACMG Guidelines, 2015. Collection method: clinical testing. Allele origin: germline. Inheritance: Autosomal dominant inheritance. Affected: yes.
Comment: This sequence variant is a single nucleotide substitution (G>A) at position 826 of the coding sequence of the ZBTB7A gene that results in a glycine to arginine amino acid change at residue 276 of the zinc finger and BTB domain containing 7A protein. This variant is absent from ClinVar and, to our knowledge, has not been observed in an individual affected by a ZBTB7A-related disorder in the published literature. This variant is present in 37 of 1,385,166 alleles (0.003%) in the gnomAD v4.0.0 population dataset. Multiple bioinformatic tools predict that this amino acid change would be neutral, and the Gly276 residue at this position is poorly conserved across the vertebrate species examined. Studies examining the functional consequence of this variant have not been published, to our knowledge. At this time, there is insufficient evidence to determine if this variant is pathogenic or benign. Therefore, we consider this a variant of uncertain significance. ACMG Criteria: BP4, PM2